The following is an entry in ClinVar:

ClinVar aggregate classification (germline): Uncertain significance. Review status: criteria provided, multiple submitters, no conflicts (2 of 4 stars). 2 submissions from 2 submitters: Uncertain significance (2). Last evaluated 2025-03-29.

Conditions:
AHDC1-related intellectual disability - obstructive sleep apnea - mild dysmorphism syndrome. Also called: Xia-Gibbs syndrome. Identifiers: Orphanet 412069, MedGen C4014419, MONDO:0014358, OMIM 615829.

Allele frequency attached by ClinVar (database versions not stated): ExAC 0.00002; gnomAD 0.00002 and 0.00003; gnomAD exomes 0.00003 and 0.00004; TOPMed 0.00008.
gnomAD v4.1: 59 of 1,602,062 alleles (0.0037%); highest among the groups gnomAD compares: Admixed American, 0.012%; no homozygotes.

Submissions (2):

Labcorp Genetics (formerly Invitae), Labcorp
Classification: Uncertain significance. Last evaluated: 2025-03-29. Review status: criteria provided, single submitter. Criteria: Invitae Variant Classification Sherloc (09022015). Collection method: clinical testing. Allele origin: germline.
Comment: This sequence change replaces proline, which is neutral and non-polar, with leucine, which is neutral and non-polar, at codon 1382 of the AHDC1 protein (p.Pro1382Leu). This variant is present in population databases (rs747832311, gnomAD 0.009%). This variant has not been reported in the literature in individuals affected with AHDC1-related conditions. ClinVar contains an entry for this variant (Variation ID: 996995). An algorithm developed to predict the effect of missense changes on protein structure and function (PolyPhen-2) suggests that this variant is likely to be disruptive. In summary, the available evidence is currently insufficient to determine the role of this variant in disease. Therefore, it has been classified as a Variant of Uncertain Significance.

New York Genome Center
Classification: Uncertain significance for AHDC1-related intellectual disability - obstructive sleep apnea - mild dysmorphism syndrome. Last evaluated: 2020-05-14. Review status: criteria provided, single submitter. Criteria: NYGC Assertion Criteria 2020. Collection method: clinical testing. Allele origin: germline. Inheritance: Autosomal dominant inheritance. Observed: 1 heterozygote. Study: CSER-NYCKidSeq.
Comment: The heterozygous missense p.Pro1382Leu variant identified in the AHDC1 gene has not been reported in affected individuals in the literature to the best of our knowledge. The variant has 0.00002791 allele frequency in gnomAD database (4 heterozygotes out of 143,326 alleles, no homozygotes) indicating that it is a rare allele in the general population. The affected residue is not well conserved. In Silico prediction tools provide conflicting interpretations about potential pathoegiciy of this variant. Based on the current evidence, the p.Pro1382Leu variant in the AHDC1 gene is assessed as a variant of uncertain significance.

NM_001371928.1(AHDC1):c.4145C>T (p.Pro1382Leu)

Gene: AHDC1 (AT-hook DNA binding motif containing 1; minus strand). Cytogenetic location: 1p36.11.
Variant type: single nucleotide variant.
Coding change: c.4145C>T on transcript NM_001371928.1 (MANE Select); coding-DNA position 4145, C replaced by T.
Protein change: p.Pro1382Leu; replaces proline 1382 with leucine.
Molecular consequence: missense variant.
Genome position (GRCh38, 1-based): chr1:27,547,971, G>A on the plus strand (C>T on the coding strand, the complement: AHDC1 is on the minus strand). VCF-style: chr1-27547971-G-A. GRCh37 (hg19) VCF-style: chr1-27874482-G-A.
Other names: c.4145C>T, p.Pro1382Leu (NM_001029882.3); short protein forms P1382L.
Identifiers: ClinVar variation 996995 (VCV000996995.9), dbSNP rs747832311, ClinGen allele CA715428.